The following is an entry in ClinVar:

ClinVar aggregate classification (germline): Uncertain significance. Review status: criteria provided, multiple submitters, no conflicts (2 of 4 stars). 2 submissions from 2 submitters: Uncertain significance (2). Last evaluated 2022-10-31.

Conditions:
Lissencephaly due to TUBA1A mutation (CDCBM16). Also called: Lissencephaly 3; CORTICAL DYSPLASIA, COMPLEX, WITH OTHER BRAIN MALFORMATIONS 16. Identifiers: Orphanet 171680, MedGen C4305153, MONDO:0012703, OMIM 611603.

Submissions (2):

Labcorp Genetics (formerly Invitae), Labcorp
Classification: Uncertain significance. Last evaluated: 2022-10-31. Review status: criteria provided, single submitter. Criteria: Invitae Variant Classification Sherloc (09022015). Collection method: clinical testing. Allele origin: germline.
Comment: In summary, the available evidence is currently insufficient to determine the role of this variant in disease. Therefore, it has been classified as a Variant of Uncertain Significance. Algorithms developed to predict the effect of missense changes on protein structure and function (SIFT, PolyPhen-2, Align-GVGD) all suggest that this variant is likely to be disruptive. This variant has not been reported in the literature in individuals affected with TUBA1A-related conditions. This variant is not present in population databases (gnomAD no frequency). This sequence change replaces glycine, which is neutral and non-polar, with aspartic acid, which is acidic and polar, at codon 162 of the TUBA1A protein (p.Gly162Asp).

Juno Genomics, Hangzhou Juno Genomics, Inc
Classification: Uncertain significance for Lissencephaly due to TUBA1A mutation. Review status: criteria provided, single submitter. Criteria: ACMG Guidelines, 2015. Collection method: clinical testing. Allele origin: germline.
Comment: Absent from controls (or at extremely low frequency if recessive) in Genome Aggregation Database.;Missense variant in a gene that has a low rate of benign missense variation.

NM_006009.4(TUBA1A):c.485G>A (p.Gly162Asp)

Gene: TUBA1A (tubulin alpha 1a; minus strand). Cytogenetic location: 12q13.12.
Variant type: single nucleotide variant.
Coding change: c.485G>A on transcript NM_006009.4 (MANE Select); coding-DNA position 485, G replaced by A.
Protein change: p.Gly162Asp; replaces glycine 162 with aspartic acid.
Molecular consequence: missense variant.
Genome position (GRCh38, 1-based): chr12:49,185,881, C>T on the plus strand (G>A on the coding strand, the complement: TUBA1A is on the minus strand). VCF-style: chr12-49185881-C-T. GRCh37 (hg19) VCF-style: chr12-49579664-C-T.
Other names: c.485G>A, p.Gly162Asp (NM_001270399.2); c.380G>A, p.Gly127Asp (NM_001270400.2); short protein forms G162D, G127D.
Identifiers: ClinVar variation 2806809 (VCV002806809.5), dbSNP rs2121244807, ClinGen allele CA384642278.